The following is an entry in ClinVar:

NM_002860.4(ALDH18A1):c.1956C>T (p.Ser652=)

Gene: ALDH18A1 (aldehyde dehydrogenase 18 family member A1; minus strand). Cytogenetic location: 10q24.1.
Variant type: single nucleotide variant.
Coding change: c.1956C>T on transcript NM_002860.4 (MANE Select); coding-DNA position 1956, C replaced by T.
Protein change: p.Ser652=; no amino-acid change (serine 652 retained).
Molecular consequence: synonymous variant.
Genome position (GRCh38, 1-based): chr10:95,611,410, G>A on the plus strand (C>T on the coding strand, the complement: ALDH18A1 is on the minus strand). VCF-style: chr10-95611410-G-A. GRCh37 (hg19) VCF-style: chr10-97371167-G-A.
Other names: c.1320C>T, p.Ser440= (NM_001323419.2); c.1950C>T, p.Ser650= (NM_001017423.2, NM_001323415.2); c.1623C>T, p.Ser541= (NM_001323412.2, NM_001323416.2); c.1956C>T, p.Ser652= (NM_001323413.2, NM_001323414.2); c.1851C>T, p.Ser617= (NM_001323417.2); c.1617C>T, p.Ser539= (NM_001323418.2).
Identifiers: ClinVar variation 2945204 (VCV002945204.3), dbSNP rs2097834198, ClinGen allele CA471027551.
Genomic context (GRCh38, chr10:95,611,410, plus strand): 5'-TTCCAGGTCCCCATACTCAGTTCGGAGTGACTTCACTTCGGAGGGGCTGAAGGTCAGATA[G>A]GAGGCAAATTTGGGGCCTGCATGAATTTTTACCTGGAACAGAGGAAGTCCAGGGGCAACA-3'
Protein context (NP_002851.2, residues 642-662): VKIHAGPKFA[Ser652=]YLTFSPSEVK

ClinVar aggregate classification (germline): Uncertain significance (1 of 4 stars; one submission).

Conditions:
Cutis laxa, autosomal dominant 3 (ADCL3). Identifiers: Orphanet 90348, MedGen C4225268, MONDO:0014706, OMIM 616603.
Autosomal dominant spastic paraplegia type 9. Identifiers: MedGen C1832669, MONDO:0015091.
de Barsy syndrome. Also called: Cutis laxa-corneal clouding-oligophrenia syndrome. Identifiers: Orphanet 2962, MedGen C0268354, MONDO:0017569.

Allele frequency attached by ClinVar (database versions not stated): gnomAD 0.00001.
gnomAD v4.1: 1 of 1,614,082 alleles (0.000062%); highest among the groups gnomAD compares: African/African-American, 0.0013%; no homozygotes.

Submission:

Labcorp Genetics (formerly Invitae), Labcorp
Classification: Uncertain significance for Autosomal dominant spastic paraplegia type 9; de Barsy syndrome; Cutis laxa, autosomal dominant 3. Last evaluated: 2023-12-09. Review status: criteria provided, single submitter. Criteria: Invitae Variant Classification Sherloc (09022015). Collection method: clinical testing. Allele origin: germline.
Comment: This sequence change affects codon 652 of the ALDH18A1 mRNA. It is a 'silent' change, meaning that it does not change the encoded amino acid sequence of the ALDH18A1 protein. This variant is not present in population databases (gnomAD no frequency). This variant has not been reported in the literature in individuals affected with ALDH18A1-related conditions. Algorithms developed to predict the effect of sequence changes on RNA splicing suggest that this variant may create or strengthen a splice site. In summary, the available evidence is currently insufficient to determine the role of this variant in disease. Therefore, it has been classified as a Variant of Uncertain Significance.